The following is an entry in ClinVar:

NM_006949.4(STXBP2):c.1356+18A>G

Gene: STXBP2 (syntaxin binding protein 2; plus strand). Cytogenetic location: 19p13.2.
Variant type: single nucleotide variant.
Coding change: c.1356+18A>G on transcript NM_006949.4 (MANE Select); 18 bases into the intron after coding-DNA position 1356, A replaced by G.
Molecular consequence: intron variant.
Genome position (GRCh38, 1-based): chr19:7,645,324, A>G. VCF-style: chr19-7645324-A-G. GRCh37 (hg19) VCF-style: chr19-7710210-A-G.
Other names: c.1389+18A>G (NM_001272034.2); c.1347+18A>G (NM_001127396.3).
Identifiers: ClinVar variation 260088 (VCV000260088.23), dbSNP rs889187, ClinGen allele CA9144103.

ClinVar aggregate classification (germline): Benign/Likely benign. Review status: criteria provided, multiple submitters, no conflicts (2 of 4 stars). 8 submissions from 8 submitters: Benign (7); Likely benign (1). Last evaluated 2026-02-04.

Conditions:
Familial hemophagocytic lymphohistiocytosis 5. Also called: STXBP2-Related Familial Hemophagocytic Lymphohistiocytosis (STXBP2-fHLH). Identifiers: Orphanet 540, MedGen C2751293, MONDO:0013135, OMIM 613101.

Allele frequency attached by ClinVar (database versions not stated): gnomAD exomes 0.42335; ESP Exome Variant Server 0.42543; gnomAD 0.44557 and 0.44675; 1000 Genomes Project 0.51637; TOPMed 0.44708; ExAC 0.46196; 1000 Genomes Project 30x 0.50953.
gnomAD v4.1: 611,729 of 1,563,216 alleles (39%); highest among the groups gnomAD compares: East Asian, 72%; 124,415 homozygotes.

Submissions (8):

Labcorp Genetics (formerly Invitae), Labcorp
Classification: Benign for Familial hemophagocytic lymphohistiocytosis 5. Last evaluated: 2026-02-04. Review status: criteria provided, single submitter. Criteria: Invitae Variant Classification Sherloc (09022015). Collection method: clinical testing. Allele origin: germline.

Blueprint Genetics
Classification: Likely benign. Last evaluated: 2024-11-28. Review status: criteria provided, single submitter. Criteria: ACMG Guidelines, 2015. Collection method: clinical testing. Allele origin: germline.

Unidad de Genómica Garrahan, Hospital de Pediatría Garrahan
Classification: Benign. Last evaluated: 2023-11-12. Review status: criteria provided, single submitter. Criteria: ACMG Guidelines, 2015. Collection method: clinical testing. Allele origin: germline. Affected: no. Observed: 67 variant alleles.
Comment: This variant is classified as Benign based on local population frequency. This variant was detected in 70% of patients studied by a panel of primary immunodeficiencies. Number of patients: 67. Only high quality variants are reported.

Genome-Nilou Lab
Classification: Benign for Familial hemophagocytic lymphohistiocytosis 5. Last evaluated: 2021-07-15. Review status: criteria provided, single submitter. Criteria: ACMG Guidelines, 2015. Collection method: clinical testing. Allele origin: germline. Affected: no.

GeneDx
Classification: Benign. Last evaluated: 2018-11-12. Review status: criteria provided, single submitter. Criteria: GeneDx Variant Classification Process June 2021. Collection method: clinical testing. Allele origin: germline. Affected: yes.

Eurofins Ntd Llc (ga)
Classification: Benign. Last evaluated: 2018-03-08. Review status: criteria provided, single submitter. Criteria: EGL ClinVar v180209 classification definitions. Collection method: clinical testing. Allele origin: germline. Observed: 1 variant allele, 1 heterozygote.

Breakthrough Genomics
Classification: Benign. Review status: criteria provided, single submitter. Criteria: ACMG Guidelines, 2015. Collection method: not provided. Allele origin: germline. Inheritance: Autosomal recessive inheritance. Affected: yes.

PreventionGenetics, part of Exact Sciences
Classification: Benign. Review status: criteria provided, single submitter. Criteria: ACMG Guidelines, 2015. Collection method: clinical testing. Allele origin: germline.